The following is an entry in ClinVar:

NM_021999.5(ITM2B):c.42G>A (p.Glu14=)

Genes: ITM2B (integral membrane protein 2B; plus strand), LOC130009751 (ATAC-STARR-seq lymphoblastoid silent region 5331; plus strand). Cytogenetic location: 13q14.2.
Variant type: single nucleotide variant.
Coding change: c.42G>A on transcript NM_021999.5 (MANE Select); coding-DNA position 42, G replaced by A.
Protein change: p.Glu14=; no amino-acid change (glutamic acid 14 retained).
Molecular consequence: synonymous variant.
Genome position (GRCh38, 1-based): chr13:48,233,402, G>A. VCF-style: chr13-48233402-G-A. GRCh37 (hg19) VCF-style: chr13-48807538-G-A.
Other names: c.42G>A (NM_021999.4).
Identifiers: ClinVar variation 1904100 (VCV001904100.6), dbSNP rs1016942995, ClinGen allele CA249834407.

ClinVar aggregate classification (germline): Likely benign. Review status: criteria provided, multiple submitters, no conflicts (2 of 4 stars). 2 submissions from 2 submitters: Likely benign (2). Last evaluated 2026-05-05.

Conditions:
ITM2B-related disorder. Also called: ITM2B-related condition.

Allele frequency attached by ClinVar (database versions not stated): gnomAD 0.00003.
gnomAD v4.1: 8 of 1,563,762 alleles (0.00051%); highest among the groups gnomAD compares: African/African-American, 0.0014%; no homozygotes.

Submissions (2):

PreventionGenetics, part of Exact Sciences
Classification: Likely benign for ITM2B-related condition. Last evaluated: 2026-05-05. Review status: criteria provided, single submitter. Criteria: ACMG Guidelines, 2015. Collection method: clinical testing. Allele origin: germline.
Comment: This variant is classified as likely benign based on ACMG/AMP sequence variant interpretation guidelines (Richards et al. 2015 PMID: 25741868, with internal and published modifications).

Labcorp Genetics (formerly Invitae), Labcorp
Classification: Likely benign. Last evaluated: 2025-10-27. Review status: criteria provided, single submitter. Criteria: Invitae Variant Classification Sherloc (09022015). Collection method: clinical testing. Allele origin: germline.